The following is an entry in ClinVar:

NM_006361.6(HOXB13):c.81G>A (p.Leu27=)

Gene: HOXB13 (homeobox B13; minus strand). Cytogenetic location: 17q21.32.
Variant type: single nucleotide variant.
Coding change: c.81G>A on transcript NM_006361.6 (MANE Select); coding-DNA position 81, G replaced by A.
Protein change: p.Leu27=; no amino-acid change (leucine 27 retained).
Molecular consequence: synonymous variant.
Genome position (GRCh38, 1-based): chr17:48,728,513, C>T on the plus strand (G>A on the coding strand, the complement: HOXB13 is on the minus strand). VCF-style: chr17-48728513-C-T. GRCh37 (hg19) VCF-style: chr17-46805875-C-T.
Identifiers: ClinVar variation 1762416 (VCV001762416.8), dbSNP rs1319038051, ClinGen allele CA500503017.
Genomic context (GRCh38, chr17:48,728,513, plus strand): 5'-GTTGACAGCAGGCATCAGCGTAGGCGCCGCTGGGTGGCTGGTCAGAGGGGAGTGGGCGAC[C>T]AGATTCCGCCCCCCTCCCGCTCCCAGCAAGCCTTCGATATCCTTGGCTCCATCCAAGGTG-3'
Protein context (NP_006352.2, residues 17-37): GLLGAGGGRN[Leu27=]VAHSPLTSHP

ClinVar aggregate classification (germline): Benign/Likely benign. Review status: criteria provided, multiple submitters, no conflicts (2 of 4 stars). 3 submissions from 3 submitters: Benign (1); Likely benign (2). Last evaluated 2025-10-25.

Conditions:
Hereditary cancer-predisposing syndrome. Also called: Neoplastic Syndromes, Hereditary; Tumor predisposition; Hereditary Cancer Syndrome; Hereditary neoplastic syndrome. Identifiers: Orphanet 140162, MedGen C0027672, MeSH D009386, MONDO:0015356.
Prostate cancer, hereditary, 9 (HPC9). Identifiers: Orphanet 1331, MedGen C1970250, MONDO:0012597, OMIM 610997.

Allele frequency attached by ClinVar (database versions not stated): TOPMed 0.00001.
gnomAD v4.1: 1 of 1,613,372 alleles (0.000062%); highest among the groups gnomAD compares: Admixed American, 0.0017%; no homozygotes.

Submissions (3):

Labcorp Genetics (formerly Invitae), Labcorp
Classification: Likely benign. Last evaluated: 2025-10-25. Review status: criteria provided, single submitter. Criteria: Invitae Variant Classification Sherloc (09022015). Collection method: clinical testing. Allele origin: germline.

Myriad Genetics, Inc.
Classification: Benign for Prostate cancer, hereditary, 9. Last evaluated: 2024-10-28. Review status: criteria provided, single submitter. Criteria: Myriad Autosomal Dominant, Autosomal Recessive and X-Linked Classification Criteria (2023). Collection method: clinical testing. Allele origin: unknown.
Comment: This variant is considered benign. This variant is a silent/synonymous amino acid change and it is not expected to impact splicing.

Ambry Genetics
Classification: Likely benign for Hereditary cancer-predisposing syndrome. Last evaluated: 2020-03-28. Review status: criteria provided, single submitter. Criteria: Ambry Variant Classification Scheme 2023. Collection method: clinical testing. Allele origin: germline.